The following is an entry in ClinVar:

ClinVar aggregate classification (germline): Uncertain significance (1 of 4 stars; one submission).

Conditions:
NR0B2-related disorder. Also called: NR0B2-related condition.

gnomAD v4.1: 8 of 1,613,972 alleles (0.0005%); highest among the groups gnomAD compares: African/African-American, 0.0013%; no homozygotes.

Submission:

PreventionGenetics, part of Exact Sciences
Classification: Uncertain significance for NR0B2-related condition. Last evaluated: 2025-10-28. Review status: criteria provided, single submitter. Criteria: ACMG Guidelines, 2015. Collection method: clinical testing. Allele origin: germline.
Comment: The NR0B2 c.685A>G variant is predicted to result in the amino acid substitution p.Thr229Ala. To our knowledge, this variant has not been reported in the literature or in a large population database (gnomAD), indicating this variant is rare. At this time, the clinical significance of this variant is uncertain due to the absence of conclusive functional and genetic evidence.

NM_021969.3(NR0B2):c.685A>G (p.Thr229Ala)

Genes: NR0B2 (nuclear receptor subfamily 0 group B member 2; minus strand), NUDC (nuclear distribution C, dynein complex regulator; plus strand). Cytogenetic location: 1p36.11.
Variant type: single nucleotide variant.
Coding change: c.685A>G on transcript NM_021969.3 (MANE Select); coding-DNA position 685, A replaced by G.
Protein change: p.Thr229Ala; replaces threonine 229 with alanine.
Molecular consequence: missense variant.
Genome position (GRCh38, 1-based): chr1:26,911,934, T>C on the plus strand (A>G on the coding strand, the complement: NR0B2 is on the minus strand). VCF-style: chr1-26911934-T-C. GRCh37 (hg19) VCF-style: chr1-27238425-T-C.
Other names: short protein forms T229A.
Identifiers: ClinVar variation 4988478 (VCV004988478.1).